The following is an entry in ClinVar:

NM_001267550.2(TTN):c.54710T>C (p.Leu18237Pro)

Genes: TTN (titin; minus strand), TTN-AS1 (TTN antisense RNA 1; plus strand). Cytogenetic location: 2q31.2.
Variant type: single nucleotide variant.
Coding change: c.54710T>C on transcript NM_001267550.2 (MANE Select); coding-DNA position 54710, T replaced by C.
Protein change: p.Leu18237Pro; replaces leucine 18237 with proline.
Molecular consequence: missense variant.
Genome position (GRCh38, 1-based): chr2:178,603,977, A>G on the plus strand (T>C on the coding strand, the complement: TTN is on the minus strand). VCF-style: chr2-178603977-A-G. GRCh37 (hg19) VCF-style: chr2-179468704-A-G.
Other names: p.L16596P:CTT>CCT; c.27515T>C, p.Leu9172Pro (NM_003319.4); c.27890T>C, p.Leu9297Pro (NM_133432.3); c.28091T>C, p.Leu9364Pro (NM_133437.4); c.54710T>C (NM_001267550.1); c.49787T>C, p.Leu16596Pro (NM_001256850.1); c.47006T>C, p.Leu15669Pro (NM_133378.4); short protein forms L15669P, L18237P, L16596P, L9364P, L9297P, L9172P.
Identifiers: ClinVar variation 191944 (VCV000191944.64), dbSNP rs201412693, ClinGen allele CA302477.

ClinVar aggregate classification (germline): Conflicting classifications of pathogenicity. Review status: criteria provided, conflicting classifications (1 of 4 stars). 19 submissions from 15 submitters: Uncertain significance (7); Benign (4); Likely benign (8). Last evaluated 2026-09-01.

Conditions:
TTN-related disorder. Also called: TTN-related disorders; TTN-related condition; TTN-related disease.
Cardiovascular phenotype. Identifiers: MedGen CN230736.
Autosomal recessive limb-girdle muscular dystrophy type 2J (LGMDR10). Also called: Limb-girdle muscular dystrophy, type 2J; MUSCULAR DYSTROPHY, LIMB-GIRDLE, AUTOSOMAL RECESSIVE 10. Identifiers: Orphanet 140922, MedGen C1837342, MONDO:0012127, OMIM 608807.
Dilated cardiomyopathy 1G (CMD1G). Identifiers: Orphanet 154, MedGen C1858763, MONDO:0011400, OMIM 604145.
Cardiomyopathy (CMYO). Also called: Cardiomyopathies. Identifiers: Orphanet 167848, MedGen C0878544, MONDO:0004994, HP:0001638. Inheritance: Various modes of inheritance.
Early-onset myopathy with fatal cardiomyopathy (CMYO5). Also called: Salih Myopathy; CONGENITAL MYOPATHY 5 WITH CARDIOMYOPATHY. Identifiers: Orphanet 289377, MedGen C2673677, MONDO:0012714, OMIM 611705. Disease mechanism: loss of function.
Myopathy, myofibrillar, 9, with early respiratory failure (MFM9). Also called: Myopathy, distal, with early respiratory failure, autosomal dominant; EDSTROM MYOPATHY; MYOPATHY, PROXIMAL, WITH EARLY RESPIRATORY MUSCLE INVOLVEMENT; Hereditary myopathy with early respiratory failure. Identifiers: Orphanet 178464, Orphanet 34521, MedGen C1863599, MONDO:0011362, OMIM 603689.
Tibial muscular dystrophy (TMD). Also called: Udd Distal Myopathy – Tibial Muscular Dystrophy; UDD MYOPATHY; Tibial muscular dystrophy, tardive. Identifiers: Orphanet 609, MedGen C1838244, MONDO:0010870, OMIM 600334.
Hypertrophic cardiomyopathy. Also called: HYPERTROPHIC MYOCARDIOPATHY. Identifiers: Orphanet 217569, MedGen C0007194, MeSH D002312, MONDO:0005045, HP:0001639.

Allele frequency attached by ClinVar (database versions not stated): TOPMed 0.00048; 1000 Genomes Project 30x 0.00062; gnomAD 0.00062 and 0.00063; ESP Exome Variant Server 0.00066; 1000 Genomes Project 0.00080.
gnomAD v4.1: 1,471 of 1,612,792 alleles (0.091%); highest among the groups gnomAD compares: Non-Finnish European, 0.12%; no homozygotes.

Submissions (19):

CeGaT Center for Human Genetics Tuebingen
Classification: Likely benign. Last evaluated: 2026-09-01. Review status: criteria provided, single submitter. Criteria: CeGaT Center For Human Genetics Tuebingen Variant Classification Criteria Version 2. Collection method: clinical testing. Allele origin: germline. Affected: yes. Observed: 10 variant alleles.
Comment: TTN: BP4, BS1

Labcorp Genetics (formerly Invitae), Labcorp
Classification: Likely benign for Dilated cardiomyopathy 1G; Autosomal recessive limb-girdle muscular dystrophy type 2J. Last evaluated: 2026-02-04. Review status: criteria provided, single submitter. Criteria: Invitae Variant Classification Sherloc (09022015). Collection method: clinical testing. Allele origin: germline.

PreventionGenetics, part of Exact Sciences
Classification: Likely benign for TTN-related condition. Last evaluated: 2025-05-19. Review status: criteria provided, single submitter. Criteria: ACMG Guidelines, 2015. Collection method: clinical testing. Allele origin: germline.
Comment: This variant is classified as likely benign based on ACMG/AMP sequence variant interpretation guidelines (Richards et al. 2015 PMID: 25741868, with internal and published modifications).

Revvity Omics, Revvity
Classification: Likely benign. Last evaluated: 2025-05-15. Review status: criteria provided, single submitter. Criteria: ACMG Guidelines, 2015. Collection method: clinical testing. Allele origin: germline.

Blueprint Genetics
Classification: Likely benign. Last evaluated: 2024-10-28. Review status: criteria provided, single submitter. Criteria: ACMG Guidelines, 2015. Collection method: clinical testing. Allele origin: germline.

Women's Health and Genetics/Laboratory Corporation of America, LabCorp
Classification: Likely benign. Last evaluated: 2023-09-03. Review status: criteria provided, single submitter. Criteria: LabCorp Variant Classification Summary - May 2015. Collection method: clinical testing. Allele origin: germline.

CHEO Genetics Diagnostic Laboratory, Children's Hospital of Eastern Ontario
Classification: Benign for Cardiomyopathy. Last evaluated: 2022-03-18. Review status: criteria provided, single submitter. Criteria: ACMG Guidelines, 2015. Collection method: clinical testing. Allele origin: germline. Study: Canadian Open Genetics Repository.

GeneDx
Classification: Likely benign. Last evaluated: 2021-02-15. Review status: criteria provided, single submitter. Criteria: GeneDx Variant Classification Process June 2021. Collection method: clinical testing. Allele origin: germline. Affected: yes.
Comment: This variant is associated with the following publications: (PMID: 23861362, 32403337)

Athena Diagnostics
Classification: Benign. Last evaluated: 2021-02-09. Review status: criteria provided, single submitter. Criteria: Athena Diagnostics criteria. Collection method: clinical testing. Allele origin: unknown.

Center for Advanced Laboratory Medicine, UC San Diego Health, University of California San Diego
Classification: Likely benign for Hypertrophic cardiomyopathy. Last evaluated: 2019-04-01. Review status: criteria provided, single submitter. Criteria: ACMG Guidelines, 2015. Collection method: clinical testing. Allele origin: germline. Affected: yes. Observed: 2 variant alleles.

Illumina Laboratory Services, Illumina
Classification: Uncertain significance for Autosomal recessive limb-girdle muscular dystrophy type 2J. Last evaluated: 2018-01-13. Review status: criteria provided, single submitter. Criteria: ICSL Variant Classification Criteria 13 December 2019. Collection method: clinical testing. Allele origin: germline.

Illumina Laboratory Services, Illumina
Classification: Benign for Myopathy, myofibrillar, 9, with early respiratory failure. Last evaluated: 2018-01-13. Review status: criteria provided, single submitter. Criteria: ICSL Variant Classification Criteria 13 December 2019. Collection method: clinical testing. Allele origin: germline.
Comment: This variant was observed in the ICSL laboratory as part of a predisposition screen in an ostensibly healthy population. It had not been previously curated by ICSL or reported in the Human Gene Mutation Database (HGMD: prior to June 1st, 2018), and was therefore a candidate for classification through an automated scoring system. Utilizing variant allele frequency, disease prevalence and penetrance estimates, and inheritance mode, an automated score was calculated to assess if this variant is too frequent to cause the disease. Based on the score and internal cut-off values, a variant classified as benign is not then subjected to further curation. The score for this variant resulted in a classification of benign for this disease.

Illumina Laboratory Services, Illumina
Classification: Uncertain significance for Dilated cardiomyopathy 1G. Last evaluated: 2018-01-13. Review status: criteria provided, single submitter. Criteria: ICSL Variant Classification Criteria 13 December 2019. Collection method: clinical testing. Allele origin: germline.

Illumina Laboratory Services, Illumina
Classification: Uncertain significance for Early-onset myopathy with fatal cardiomyopathy. Last evaluated: 2018-01-13. Review status: criteria provided, single submitter. Criteria: ICSL Variant Classification Criteria 13 December 2019. Collection method: clinical testing. Allele origin: germline.

Illumina Laboratory Services, Illumina
Classification: Benign for Tibial muscular dystrophy. Last evaluated: 2018-01-13. Review status: criteria provided, single submitter. Criteria: ICSL Variant Classification Criteria 13 December 2019. Collection method: clinical testing. Allele origin: germline.
Comment: the same text as in the submission from Illumina Laboratory Services, Illumina above.

Laboratory for Molecular Medicine, Mass General Brigham Personalized Medicine
Classification: Uncertain significance. Last evaluated: 2017-04-20. Review status: criteria provided, single submitter. Criteria: LMM Criteria. Collection method: clinical testing. Allele origin: germline. Observed: 1 variant allele.
Comment: Variant classified as Uncertain Significance - Favor Benign. The p.Leu15669Pro v ariant in TTN has not been previously reported in individuals with cardiomyopath y, but has been identified in 0.1% (141/126168) of European chromosomes by the g enome Aggregation Database (gnomAD; dbSNP rs2 01412693). This variant has been reported in ClinVar (Variation ID: 191944) as o f uncertain significance or likely benign. Leucine (Leu) at position 15669 is no t conserved in mammals or evolutionarily distant species, supporting that a chan ge at this position may be tolerated. In summary, while the clinical significanc e of the p.Leu15669Pro variant is uncertain, these data suggest that it is more likely to be benign.

Eurofins Ntd Llc (ga)
Classification: Uncertain significance. Last evaluated: 2015-07-17. Review status: criteria provided, single submitter. Criteria: EGL Classification Definitions 2015. Collection method: clinical testing. Allele origin: germline. Observed: 3 variant alleles, 3 heterozygotes.

Ambry Genetics
Classification: Uncertain significance for Cardiovascular phenotype. Last evaluated: 2013-10-07. Review status: criteria provided, single submitter. Criteria: Ambry Autosomal Dominant and X-Linked criteria (10/2015). Collection method: clinical testing. Allele origin: germline. Observed: 1 variant allele.
Comment: The p.L15669P variant (also known as c.47006T>C) is located in coding exon 230 of theTTNgene. This alteration results from a T to C substitution at nucleotide position 47006. The leucine at codon 15669 is replaced by proline, an amino acid with some similar properties. This variant was previously reported in dbSNP asrs201412693. Based on data from the NHLBI Exome Sequencing Project (ESP), the C-allele has an overall frequency of approximately 0.07% (8/12090), having been observed in0.08% (7/8262)of European American alleles, and in 00.03% (1/3828)of African American alleles studied. This variant was not reported in the 1000 Genomes Project. Based on protein sequence alignment, this amino acid position is not well conserved in available vertebrate species. In addition, this alteration is predicted to be benign and tolerated by PolyPhen and SIFT in silico analyses, respectively.Since supporting evidence is limited at this time, the clinical significance of this variant remains unclear.

Biesecker Lab/Clinical Genomics Section, National Institutes of Health
Classification: Uncertain significance. Last evaluated: 2013-06-24. Review status: criteria provided, single submitter. Criteria: Ng et al. (Circ Cardiovasc Genet. 2013). Collection method: research. Allele origin: unknown. Observed: 1 variant allele. Study: ClinSeq.
Comment: The study set was not selected for affection status in relation to any cancer. Pathogenicity categories were based on literature curation. See Pubmed ID:23861362 for details.

Medical sequencing

Literature cited by the submitters: PubMed 23861362 (cited by Athena Diagnostics and Laboratory for Molecular Medicine, Mass General Brigham Personalized Medicine); PubMed 31489791 (cited by Athena Diagnostics).